The following is an entry in ClinVar:

NM_016030.6(TRAPPC12):c.514G>A (p.Gly172Arg)

Gene: TRAPPC12 (trafficking protein particle complex subunit 12; plus strand). Cytogenetic location: 2p25.3.
Variant type: single nucleotide variant.
Coding change: c.514G>A on transcript NM_016030.6 (MANE Select); coding-DNA position 514, G replaced by A.
Protein change: p.Gly172Arg; replaces glycine 172 with arginine.
Molecular consequence: missense variant.
Genome position (GRCh38, 1-based): chr2:3,388,137, G>A. VCF-style: chr2-3388137-G-A. GRCh37 (hg19) VCF-style: chr2-3391908-G-A.
Other names: c.514G>A, p.Gly172Arg (NM_001321102.2); c.514G>A (NM_016030.5); short protein forms G172R.
Identifiers: ClinVar variation 2074565 (VCV002074565.2), dbSNP rs773157680, ClinGen allele CA1515097.
Genomic context (GRCh38, chr2:3,388,137, plus strand): 5'-CCCGTTGCGGAGCCGGTCCCGGTGTGCACCATCTTCAGCCAGCGCGCGCCCCCAGCCTCC[G>A]GGGACGGCTTCGAGCCGCAGATGGTGAAGTCGCCCAGCTTCGGTGGCGCCAGCGAGGCCT-3'
Protein context (NP_057114.5, residues 162-182): IFSQRAPPAS[Gly172Arg]DGFEPQMVKS

ClinVar aggregate classification (germline): Conflicting classifications of pathogenicity. Review status: criteria provided, conflicting classifications (1 of 4 stars). 2 submissions from 2 submitters: Uncertain significance (1); Likely benign (1). Last evaluated 2022-05-16.

Conditions:
Inborn genetic diseases. Identifiers: MedGen C0950123, MeSH D030342.

Allele frequency attached by ClinVar (database versions not stated): ExAC 0.00044.
gnomAD v4.1: 371 of 1,597,012 alleles (0.023%); highest among the groups gnomAD compares: Admixed American, 0.067%; no homozygotes.

Submissions (2):

Ambry Genetics
Classification: Likely benign for Inborn genetic diseases. Last evaluated: 2022-05-16. Review status: criteria provided, single submitter. Criteria: Ambry Variant Classification Scheme 2023. Collection method: clinical testing. Allele origin: germline.

Labcorp Genetics (formerly Invitae), Labcorp
Classification: Uncertain significance. Last evaluated: 2022-02-01. Review status: criteria provided, single submitter. Criteria: Invitae Variant Classification Sherloc (09022015). Collection method: clinical testing. Allele origin: germline.
Comment: This sequence change replaces glycine, which is neutral and non-polar, with arginine, which is basic and polar, at codon 172 of the TRAPPC12 protein (p.Gly172Arg). This variant is present in population databases (rs773157680, gnomAD 0.06%). This variant has not been reported in the literature in individuals affected with TRAPPC12-related conditions. Algorithms developed to predict the effect of missense changes on protein structure and function output the following: SIFT: "Not Available"; PolyPhen-2: "Benign"; Align-GVGD: "Not Available". The arginine amino acid residue is found in multiple mammalian species, which suggests that this missense change does not adversely affect protein function. In summary, the available evidence is currently insufficient to determine the role of this variant in disease. Therefore, it has been classified as a Variant of Uncertain Significance.